The following is an entry in ClinVar:

NM_000094.4(COL7A1):c.6859G>A (p.Gly2287Arg)

Gene: COL7A1 (collagen type VII alpha 1 chain; minus strand). Cytogenetic location: 3p21.31.
Variant type: single nucleotide variant.
Coding change: c.6859G>A on transcript NM_000094.4 (MANE Select); coding-DNA position 6859, G replaced by A.
Protein change: p.Gly2287Arg; replaces glycine 2287 with arginine.
Molecular consequence: missense variant.
Genome position (GRCh38, 1-based): chr3:48,572,712, C>T on the plus strand (G>A on the coding strand, the complement: COL7A1 is on the minus strand). VCF-style: chr3-48572712-C-T. GRCh37 (hg19) VCF-style: chr3-48610145-C-T.
Other names: short protein forms G2287R.
Identifiers: ClinVar variation 17447 (VCV000017447.19), dbSNP rs121912839, ClinGen allele CA128519.

ClinVar aggregate classification (germline): Pathogenic. Review status: criteria provided, multiple submitters, no conflicts (2 of 4 stars). 11 submissions from 10 submitters: Pathogenic (6). 5 of the submissions do not count toward it. Last evaluated 2023-11-10.

Conditions:
COL7A1-related disorder. Also called: COL7A1-related condition; COL7A1- related disorders.
Epidermolysis bullosa dystrophica. Also called: Dystrophic epidermolysis bullosa; Dystrophic epidermolysis bullosa, Hallopeau-Siemens type (formerly). Identifiers: Orphanet 303, MedGen C0079294, MONDO:0006543.
Nonsyndromic congenital nail disorder 8. Also called: TOENAIL DYSTROPHY, ISOLATED. Identifiers: MedGen C1843761, MONDO:0011852, OMIM 607523.
Recessive dystrophic epidermolysis bullosa (RDEB). Also called: Recessive DEB (RDEB); DYSTROPHIC EPIDERMOLYSIS BULLOSA, AUTOSOMAL RECESSIVE; Hallopeau-Siemens Disease; Epidermolysis Bullosa Distrophica Autosomal Recessive (RDEB); severe generalized recessive dystrophic epidermolysis bullosa; EPIDERMOLYSIS BULLOSA DYSTROPHICA, HALLOPEAU-SIEMENS TYPE. Identifiers: Orphanet 79408, Orphanet 79409, MedGen C0079474, MONDO:0009179, OMIM 226600.
Generalized dominant dystrophic epidermolysis bullosa (DDEB). Also called: Dominant DEB (DDEB); DDEB, generalized; DDEB-gen; DYSTROPHIC EPIDERMOLYSIS BULLOSA, AUTOSOMAL DOMINANT; Epidermolysis bullosa dystrophica, autosomal dominant. Identifiers: Orphanet 231568, MedGen C0432322, MONDO:0007549, OMIM 131750.

gnomAD v4.1: 2 of 1,608,732 alleles (0.00012%); highest among the groups gnomAD compares: Non-Finnish European, 0.000085%; no homozygotes.

Submissions (11):

Clinical Genetics Laboratory, Skane University Hospital Lund
Classification: Pathogenic. Last evaluated: 2023-11-10. Review status: criteria provided, single submitter. Criteria: ACMG Guidelines, 2015. Collection method: clinical testing. Allele origin: germline. Affected: yes.

Victorian Clinical Genetics Services, Murdoch Childrens Research Institute
Classification: Pathogenic for Generalized dominant dystrophic epidermolysis bullosa. Last evaluated: 2022-02-02. Review status: criteria provided, single submitter. Criteria: ACMG Guidelines, 2015. Collection method: clinical testing. Allele origin: germline. Inheritance: Autosomal dominant inheritance. Affected: yes.
Comment: Based on the classification scheme VCGS_Germline_v1.3.4, this variant is classified as Pathogenic. Following criteria are met: 0103 - Dominant negative and loss of function are known mechanisms of disease in this gene and are associated with dystrophic epidermolysis bullosa (DEB) (OMIM, PMID: 31670143). (I) 0108 - This gene is associated with both recessive and dominant disease. The spectrum of DEB associated with this gene can be either dominant or recessive. Dominant inheritance (DDEB; MIM#131750) is typically associated with milder phenotypes, whereas recessive inheritance (RDEB; MIM#226600) is usually observed in more severe cases (OMIM). (I) 0115 - Variants in this gene are known to have variable expressivity. Severity ranges from involving only nails to generalized and severe blistering and scarring (PMID: 31670143). (I) 0200 - Variant is predicted to result in a missense amino acid change from glycine to arginine. (I) 0251 - This variant is heterozygous. (I) 0301 - Variant is absent from gnomAD (both v2 and v3). (SP) 0501 - Missense variant consistently predicted to be damaging by multiple in silico tools or highly conserved with a major amino acid change. (SP) 0601 - Variant is located in the well-established functional collagen triple helix repeat and affects the glycine residue of a Gly-X-Y repeat (DECIPHER). (SP) 0801 - This variant has strong previous evidence of pathogenicity, and has been observed in over ten individuals with COL7A1-related disorders. This includes in a compound heterozygous individual with more severe autosomal recessive disease, and more commonly in heterozygotes with autosomal dominant disease (ClinVar, LOVD, PMID: 10469344, 21269315, 23397949, 29963685). (SP) 1208 - Inheritance information for this variant is not currently available in this individual. (I) Legend: (SP) - Supporting pathogenic, (I) - Information, (SB) - Supporting benign

Labcorp Genetics (formerly Invitae), Labcorp
Classification: Pathogenic. Last evaluated: 2021-08-23. Review status: criteria provided, single submitter. Criteria: Invitae Variant Classification Sherloc (09022015). Collection method: clinical testing. Allele origin: germline.
Comment: This variant is not present in population databases (ExAC no frequency). For these reasons, this variant has been classified as Pathogenic. This variant disrupts the p.Gly2287 amino acid residue in COL7A1. Other variant(s) that disrupt this residue have been observed in individuals with COL7A1-related conditions (PMID: 16271705, 31709745), which suggests that this may be a clinically significant amino acid residue. This variant disrupts the triple helix domain of COL7A1. Glycine residues within the Gly-Xaa-Yaa repeats of the triple helix domain are required for the structure and stability of fibrillar collagens (PMID: 7695699, 8218237, 19344236), and variants at these glycine residues in COL7A1 are more frequently observed in individuals with disease than in the general population (PMID: 22058051). However, the clinical significance of this observation remains uncertain since only a limited number of affected individuals have been described to date. Algorithms developed to predict the effect of sequence changes on RNA splicing suggest that this variant may create or strengthen a splice site, but this prediction has not been confirmed by published transcriptional studies. Advanced modeling of protein sequence and biophysical properties (such as structural, functional, and spatial information, amino acid conservation, physicochemical variation, residue mobility, and thermodynamic stability) performed at Invitae indicates that this missense variant is expected to disrupt COL7A1 protein function. This variant has been observed in individual(s) with autosomal dominant dystrophic epidermolysis bullosa (PMID: 29963685, 21269315, 10469344). It has also been observed to segregate with disease in related individuals. This variant has been reported in individual(s) with autosomal recessive dystrophic epidermolysis bullosa (PMID: 10469344); however, the role of the variant in this condition is currently unclear. ClinVar contains an entry for this variant (Variation ID: 17447). This sequence change replaces glycine with arginine at codon 2287 of the COL7A1 protein (p.Gly2287Arg). The glycine residue is highly conserved and there is a moderate physicochemical difference between glycine and arginine.

GeneDx
Classification: Pathogenic. Last evaluated: 2020-09-09. Review status: criteria provided, single submitter. Criteria: GeneDx Variant Classification Process June 2021. Collection method: clinical testing. Allele origin: germline. Affected: yes.
Comment: Located in the highly conserved Gly-X-Y repeat of the collagenous domain; Glycine substitution variants in this region of the COLVII protein destabilize the collagen triple helix resulting in skin fragility due to poor anchoring of the basement membrane to the underlying dermis (Pfendner and Lucky, 2018); In silico analysis supports that this missense variant has a deleterious effect on protein structure/function; This variant is associated with the following publications: (PMID: 21269315, 21448560, 25525159, 29963685, 11260188, 7577595, 10469344, 15113589, 21892539, 16923137, 29334134)

Biomedical Innovation Departament, CIEMAT
Classification: Pathogenic for Dystrophic epidermolysis bullosa. Last evaluated: 2017-12-22. Review status: criteria provided, single submitter. Criteria: ACMG Guidelines, 2015. Collection method: research. Allele origin: de novo. Affected: yes. Observed: 1 variant allele.

Rady Children's Institute for Genomic Medicine, Rady Children's Hospital San Diego
Classification: Pathogenic for COL7A1- related disorders. Review status: criteria provided, single submitter. Criteria: ACMG Guidelines, 2015. Collection method: clinical testing. Allele origin: germline. Affected: yes.
Comment: This variant has been previously reported as a compound heterozygous change and heterozygous change in patients with epidermolysis bullosa dystrophica (PMID: 10469344). Both autosomal recessive and dominant inheritance have been described for this variant (PMID: 21448560, 21269315, 29963685). It is absent from the gnomAD population database and thus is presumed to be rare. The c.6859G>A (p.Gly2287Arg) variant affects a highly conserved amino acid and is predicted by multiple in silico tools to have a deleterious effect on protein function. Different amino acid changes at the same codon have also been reported in patients with epidermolysis bullosa dystrophica (PMID: 16271705, 21448560, 31709745). Based on the available evidence, the c.6859G>A (p.Gly2287Arg) variant is classified as Pathogenic.

OMIM
Classification: Pathogenic for EPIDERMOLYSIS BULLOSA DYSTROPHICA, AUTOSOMAL RECESSIVE. Last evaluated: 1999-09-01. Review status: no assertion criteria provided. Collection method: literature only. Allele origin: germline. Not counted in ClinVar's aggregate classification.

OMIM
Classification: Pathogenic for NAIL DISORDER, NONSYNDROMIC CONGENITAL, 8. Last evaluated: 1999-09-01. Review status: no assertion criteria provided. Collection method: literature only. Allele origin: germline. Not counted in ClinVar's aggregate classification.

Bioscientia Institut fuer Medizinische Diagnostik GmbH, Sonic Healthcare
Classification: Pathogenic for Generalized dominant dystrophic epidermolysis bullosa. Review status: no assertion criteria provided. Collection method: clinical testing. Allele origin: germline. Affected: yes. Not counted in ClinVar's aggregate classification.

Diagnostic Laboratory, Department of Genetics, University Medical Center Groningen
Classification: Pathogenic. Review status: no assertion criteria provided. Collection method: clinical testing. Allele origin: germline. Affected: yes. Study: VKGL Data-share Consensus. Not counted in ClinVar's aggregate classification.

Joint Genome Diagnostic Labs from Nijmegen and Maastricht, Radboudumc and MUMC+
Classification: Pathogenic. Review status: no assertion criteria provided. Collection method: clinical testing. Allele origin: germline. Affected: yes. Study: VKGL Data-share Consensus. Not counted in ClinVar's aggregate classification.

Literature cited by the submitters: PubMed 10469344 (cited by 3 submitters); PubMed 21269315 (cited by Victorian Clinical Genetics Services, Murdoch Childrens Research Institute and Labcorp Genetics (formerly Invitae), Labcorp); PubMed 23397949 (cited by Victorian Clinical Genetics Services, Murdoch Childrens Research Institute); PubMed 29963685 (cited by Victorian Clinical Genetics Services, Murdoch Childrens Research Institute and Labcorp Genetics (formerly Invitae), Labcorp); PubMed 31670143 (cited by Victorian Clinical Genetics Services, Murdoch Childrens Research Institute); PubMed 16271705 (cited by Labcorp Genetics (formerly Invitae), Labcorp); PubMed 31709745 (cited by Labcorp Genetics (formerly Invitae), Labcorp); PubMed 7695699 (cited by Labcorp Genetics (formerly Invitae), Labcorp); PubMed 8218237 (cited by Labcorp Genetics (formerly Invitae), Labcorp); PubMed 19344236 (cited by Labcorp Genetics (formerly Invitae), Labcorp); PubMed 22058051 (cited by Labcorp Genetics (formerly Invitae), Labcorp); PubMed 12735646 (cited by Biomedical Innovation Departament, CIEMAT); PubMed 7577595 (cited by OMIM).